The following is an entry in ClinVar:

ClinVar aggregate classification (germline): Uncertain significance. Review status: criteria provided, multiple submitters, no conflicts (2 of 4 stars). 2 submissions from 2 submitters: Uncertain significance (2). Last evaluated 2024-09-23.

Conditions:
Inborn genetic diseases. Identifiers: MedGen C0950123, MeSH D030342.

Allele frequency attached by ClinVar (database versions not stated): gnomAD exomes below 0.00001; gnomAD 0.00001.

Submissions (2):

Labcorp Genetics (formerly Invitae), Labcorp
Classification: Uncertain significance. Last evaluated: 2024-09-23. Review status: criteria provided, single submitter. Criteria: Invitae Variant Classification Sherloc (09022015). Collection method: clinical testing. Allele origin: germline.
Comment: This sequence change replaces aspartic acid, which is acidic and polar, with glycine, which is neutral and non-polar, at codon 899 of the NEFH protein (p.Asp899Gly). This variant is present in population databases (no rsID available, gnomAD 0.009%). This variant has not been reported in the literature in individuals affected with NEFH-related conditions. ClinVar contains an entry for this variant (Variation ID: 1794848). Invitae Evidence Modeling of protein sequence and biophysical properties (such as structural, functional, and spatial information, amino acid conservation, physicochemical variation, residue mobility, and thermodynamic stability) indicates that this missense variant is not expected to disrupt NEFH protein function with a negative predictive value of 95%. In summary, the available evidence is currently insufficient to determine the role of this variant in disease. Therefore, it has been classified as a Variant of Uncertain Significance.

Ambry Genetics
Classification: Uncertain significance for Inborn genetic diseases. Last evaluated: 2020-01-13. Review status: criteria provided, single submitter. Criteria: Ambry Variant Classification Scheme 2023. Collection method: clinical testing. Allele origin: germline.
Comment: The p.D899G variant (also known as c.2696A>G), located in coding exon 4 of the NEFH gene, results from an A to G substitution at nucleotide position 2696. The aspartic acid at codon 899 is replaced by glycine, an amino acid with similar properties. This amino acid position is poorly conserved in available vertebrate species. In addition, this alteration is predicted to be tolerated by in silico analysis. Since supporting evidence is limited at this time, the clinical significance of this alteration remains unclear.

NM_021076.4(NEFH):c.2696A>G (p.Asp899Gly)

Gene: NEFH (neurofilament heavy chain; plus strand). Cytogenetic location: 22q12.2.
Variant type: single nucleotide variant.
Coding change: c.2696A>G on transcript NM_021076.4 (MANE Select); coding-DNA position 2696, A replaced by G.
Protein change: p.Asp899Gly; replaces aspartic acid 899 with glycine.
Molecular consequence: missense variant.
Genome position (GRCh38, 1-based): chr22:29,490,336, A>G. VCF-style: chr22-29490336-A-G. GRCh37 (hg19) VCF-style: chr22-29886325-A-G.
Other names: short protein forms D899G.
Identifiers: ClinVar variation 1794848 (VCV001794848.7), dbSNP rs1242010905, ClinGen allele CA411138408.